The following is an entry in ClinVar:

ClinVar aggregate classification (germline): Uncertain significance (1 of 4 stars; one submission).

Conditions:
Muscular dystrophy-dystroglycanopathy (congenital with brain and eye anomalies), type a, 11 (MDDGA11). Also called: WALKER-WARBURG SYNDROME OR MUSCLE-EYE-BRAIN DISEASE, B3GALNT2-RELATED; Muscular dystrophy-dystroglycanopathy (congenital with brain and eye anomalies, type A, 11; Congenital muscular dystrophy-dystroglycanopathy with brain and eye anomalies, type A11. Identifiers: Orphanet 588, Orphanet 899, MedGen C3554638, MONDO:0014071, OMIM 615181.

Allele frequency attached by ClinVar (database versions not stated): ExAC 0.00001; gnomAD exomes 0.00001; gnomAD 0.00002 and 0.00003; TOPMed 0.00003; 1000 Genomes Project 0.00020; 1000 Genomes Project 30x 0.00031.
gnomAD v4.1: 26 of 1,613,984 alleles (0.0016%); highest among the groups gnomAD compares: South Asian, 0.0066%; no homozygotes.

Submission:

Labcorp Genetics (formerly Invitae), Labcorp
Classification: Uncertain significance for Muscular dystrophy-dystroglycanopathy (congenital with brain and eye anomalies), type a, 11. Last evaluated: 2025-10-14. Review status: criteria provided, single submitter. Criteria: Invitae Variant Classification Sherloc (09022015). Collection method: clinical testing. Allele origin: germline.
Comment: This sequence change replaces threonine, which is neutral and polar, with methionine, which is neutral and non-polar, at codon 482 of the B3GALNT2 protein (p.Thr482Met). This variant is present in population databases (rs541697587, gnomAD 0.005%). This variant has not been reported in the literature in individuals affected with B3GALNT2-related conditions. ClinVar contains an entry for this variant (Variation ID: 578722). Invitae Evidence Modeling of protein sequence and biophysical properties (such as structural, functional, and spatial information, amino acid conservation, physicochemical variation, residue mobility, and thermodynamic stability) indicates that this missense variant is not expected to disrupt B3GALNT2 protein function with a negative predictive value of 80%. In summary, the available evidence is currently insufficient to determine the role of this variant in disease. Therefore, it has been classified as a Variant of Uncertain Significance.

NM_152490.5(B3GALNT2):c.1445C>T (p.Thr482Met)

Genes: B3GALNT2 (beta-1,3-N-acetylgalactosaminyltransferase 2; minus strand), TBCE (tubulin folding cofactor E; plus strand). Cytogenetic location: 1q42.3.
Variant type: single nucleotide variant.
Coding change: c.1445C>T on transcript NM_152490.5 (MANE Select); coding-DNA position 1445, C replaced by T.
Protein change: p.Thr482Met; replaces threonine 482 with methionine.
Molecular consequence: missense variant. On other transcripts: 3 prime UTR variant (4).
Genome position (GRCh38, 1-based): chr1:235,450,264, G>A on the plus strand (C>T on the coding strand, the complement: B3GALNT2 is on the minus strand). VCF-style: chr1-235450264-G-A. GRCh37 (hg19) VCF-style: chr1-235613579-G-A.
Other names: c.*1502G>A (NM_001079515.3, NM_001287801.2, NM_001287802.2 and 1 more transcripts); short protein forms T482M.
Identifiers: ClinVar variation 578722 (VCV000578722.4), dbSNP rs541697587, ClinGen allele CA1464582.
Genomic context (GRCh38, chr1:235,450,264, plus strand): 5'-TGTTATCTTGCTTGACATCGACAAGGATCACCGCACCGTTCCTTCAGTTTCCACAGTTCC[G>A]TCAGTTCCCACGGAGAATACTGAGGAGAAGACAGCATTCCTGTCTCACAGGTCTTCTCAC-3'
Protein context (NP_689703.1, residues 472-492): SSPQYSPWEL[Thr482Met]ELWKLKERCG